The following is an entry in ClinVar:

ClinVar aggregate classification (germline): Uncertain significance (1 of 4 stars; one submission).

Conditions:
Hereditary cancer-predisposing syndrome. Also called: Neoplastic Syndromes, Hereditary; Tumor predisposition; Hereditary Cancer Syndrome; Hereditary neoplastic syndrome. Identifiers: Orphanet 140162, MedGen C0027672, MeSH D009386, MONDO:0015356.

Submission:

Ambry Genetics
Classification: Uncertain significance for Hereditary cancer-predisposing syndrome. Last evaluated: 2021-11-11. Review status: criteria provided, single submitter. Criteria: Ambry Variant Classification Scheme 2023. Collection method: clinical testing. Allele origin: germline.
Comment: The p.Y582C variant (also known as c.1745A>G), located in coding exon 11 of the PDGFRA gene, results from an A to G substitution at nucleotide position 1745. The tyrosine at codon 582 is replaced by cysteine, an amino acid with highly dissimilar properties. This amino acid position is conserved. In addition, this alteration is predicted to be deleterious by in silico analysis. Since supporting evidence is limited at this time, the clinical significance of this alteration remains unclear.

NM_006206.6(PDGFRA):c.1745A>G (p.Tyr582Cys)

Gene: PDGFRA (platelet derived growth factor receptor alpha; plus strand). Cytogenetic location: 4q12.
Variant type: single nucleotide variant.
Coding change: c.1745A>G on transcript NM_006206.6 (MANE Select); coding-DNA position 1745, A replaced by G.
Protein change: p.Tyr582Cys; replaces tyrosine 582 with cysteine.
Molecular consequence: missense variant.
Genome position (GRCh38, 1-based): chr4:54,274,932, A>G. VCF-style: chr4-54274932-A-G. GRCh37 (hg19) VCF-style: chr4-55141099-A-G.
Other names: c.1745A>G, p.Tyr582Cys (NM_001347827.2, NM_001347829.2); c.1820A>G, p.Tyr607Cys (NM_001347828.2); c.1784A>G, p.Tyr595Cys (NM_001347830.2); short protein forms Y582C, Y595C, Y607C.
Identifiers: ClinVar variation 1779276 (VCV001779276.2), dbSNP rs2110300370, ClinGen allele CA356893220.
Genomic context (GRCh38, chr4:54,274,932, plus strand): 5'-TTGAATCAATCAGCCCAGATGGACATGAATATATTTATGTGGACCCGATGCAGCTGCCTT[A>G]TGACTCAAGATGGGAGTTTCCAAGAGATGGACTAGTGCTTGGTAAGTTCCATGGGGTAAC-3'
Protein context (NP_006197.1, residues 572-592): YIYVDPMQLP[Tyr582Cys]DSRWEFPRDG